The following is an entry in ClinVar:

NM_000238.4(KCNH2):c.3278C>G (p.Pro1093Arg)

Gene: KCNH2 (potassium voltage-gated channel subfamily H member 2; minus strand). Cytogenetic location: 7q36.1.
Variant type: single nucleotide variant.
Coding change: c.3278C>G on transcript NM_000238.4 (MANE Select); coding-DNA position 3278, C replaced by G.
Protein change: p.Pro1093Arg; replaces proline 1093 with arginine.
Molecular consequence: missense variant. On other transcripts: non-coding transcript variant (2).
Genome position (GRCh38, 1-based): chr7:150,946,929, G>C on the plus strand (C>G on the coding strand, the complement: KCNH2 is on the minus strand). VCF-style: chr7-150946929-G-C. GRCh37 (hg19) VCF-style: chr7-150644017-G-C.
Other names: c.2990C>G, p.Pro997Arg (NM_001406753.1); c.2258C>G, p.Pro753Arg (NM_172057.3); short protein forms P753R, P1093R, P997R.
Identifiers: ClinVar variation 3682442 (VCV003682442.2).

ClinVar aggregate classification (germline): Uncertain significance (1 of 4 stars; one submission).

Conditions:
Long QT syndrome (LQTS). Identifiers: MedGen C0023976, MeSH D008133, MONDO:0002442. Disease mechanism: loss of function. Inheritance: Various modes of inheritance.

gnomAD v4.1: 1 of 1,602,214 alleles (0.000062%); highest among the groups gnomAD compares: Non-Finnish European, 0.000085%; no homozygotes.

Submission:

Labcorp Genetics (formerly Invitae), Labcorp
Classification: Uncertain significance for Long QT syndrome. Last evaluated: 2024-06-29. Review status: criteria provided, single submitter. Criteria: Invitae Variant Classification Sherloc (09022015). Collection method: clinical testing. Allele origin: germline.
Comment: This sequence change replaces proline, which is neutral and non-polar, with arginine, which is basic and polar, at codon 1093 of the KCNH2 protein (p.Pro1093Arg). This variant is present in population databases (rs199473545, gnomAD 0.0009%). This variant has not been reported in the literature in individuals affected with KCNH2-related conditions. An algorithm developed to predict the effect of missense changes on protein structure and function (PolyPhen-2) suggests that this variant is likely to be tolerated. In summary, the available evidence is currently insufficient to determine the role of this variant in disease. Therefore, it has been classified as a Variant of Uncertain Significance.